The following is an entry in ClinVar:

NM_000170.3(GLDC):c.1813C>T (p.Leu605Phe)

Gene: GLDC (glycine decarboxylase; minus strand). Cytogenetic location: 9p24.1.
Variant type: single nucleotide variant.
Coding change: c.1813C>T on transcript NM_000170.3 (MANE Select); coding-DNA position 1813, C replaced by T.
Protein change: p.Leu605Phe; replaces leucine 605 with phenylalanine.
Molecular consequence: missense variant.
Genome position (GRCh38, 1-based): chr9:6,587,178, G>A on the plus strand (C>T on the coding strand, the complement: GLDC is on the minus strand). VCF-style: chr9-6587178-G-A. GRCh37 (hg19) VCF-style: chr9-6587178-G-A.
Other names: short protein forms L605F.
Identifiers: ClinVar variation 4737515 (VCV004737515.1).
Genomic context (GRCh38, chr9:6,587,178, plus strand): 5'-AATAAGAAAAGAAATGCCCTTACCTGTTTGGCTGGAAACAGACCTGGTCATAACCTGTGA[G>A]TTCACACAAATCCTTCTCAAGCTCTCGGAAAAGCTGCTGATATCCTTGAGCTTGATCCAG-3'
Protein context (NP_000161.2, residues 595-615): FRELEKDLCE[Leu605Phe]TGYDQVCFQP

ClinVar aggregate classification (germline): Uncertain significance (1 of 4 stars; one submission).

Conditions:
Glycine encephalopathy. Also called: Nonketotic hyperglycinemia; Non-ketotic hyperglycinemia. Identifiers: Orphanet 407, MedGen C0751748, MONDO:0011612, HP:0008288.

Submission:

Labcorp Genetics (formerly Invitae), Labcorp
Classification: Uncertain significance for Glycine encephalopathy. Last evaluated: 2025-04-09. Review status: criteria provided, single submitter. Criteria: Invitae Variant Classification Sherloc (09022015). Collection method: clinical testing. Allele origin: germline.
Comment: This sequence change replaces leucine, which is neutral and non-polar, with phenylalanine, which is neutral and non-polar, at codon 605 of the GLDC protein (p.Leu605Phe). This variant is not present in population databases (gnomAD no frequency). This variant has not been reported in the literature in individuals affected with GLDC-related conditions. Invitae Evidence Modeling of protein sequence and biophysical properties (such as structural, functional, and spatial information, amino acid conservation, physicochemical variation, residue mobility, and thermodynamic stability) indicates that this missense variant is expected to disrupt GLDC protein function with a positive predictive value of 95%. In summary, the available evidence is currently insufficient to determine the role of this variant in disease. Therefore, it has been classified as a Variant of Uncertain Significance.